The following is an entry in ClinVar:

NM_006502.3(POLH):c.837C>T (p.Thr279=)

Gene: POLH (DNA polymerase eta; plus strand). Cytogenetic location: 6p21.1.
Variant type: single nucleotide variant.
Coding change: c.837C>T on transcript NM_006502.3 (MANE Select); coding-DNA position 837, C replaced by T.
Protein change: p.Thr279=; no amino-acid change (threonine 279 retained).
Molecular consequence: synonymous variant.
Genome position (GRCh38, 1-based): chr6:43,603,964, C>T. VCF-style: chr6-43603964-C-T. GRCh37 (hg19) VCF-style: chr6-43571701-C-T.
Other names: c.465C>T, p.Thr155= (NM_001291969.2); c.837C>T, p.Thr279= (NM_001291970.2).
Identifiers: ClinVar variation 2827237 (VCV002827237.5), dbSNP rs1316327135, ClinGen allele CA450284102.

ClinVar aggregate classification (germline): Likely benign. Review status: criteria provided, multiple submitters, no conflicts (2 of 4 stars). 2 submissions from 2 submitters: Likely benign (2). Last evaluated 2026-06-01.

gnomAD v4.1: 1 of 1,608,712 alleles (0.000062%); highest among the groups gnomAD compares: East Asian, 0.0022%; no homozygotes.

Submissions (2):

CeGaT Center for Human Genetics Tuebingen
Classification: Likely benign. Last evaluated: 2026-06-01. Review status: criteria provided, single submitter. Criteria: CeGaT Center For Human Genetics Tuebingen Variant Classification Criteria Version 2. Collection method: clinical testing. Allele origin: germline. Affected: yes. Observed: 1 variant allele.
Comment: POLH: BP4, BP7

Labcorp Genetics (formerly Invitae), Labcorp
Classification: Likely benign. Last evaluated: 2023-09-18. Review status: criteria provided, single submitter. Criteria: Invitae Variant Classification Sherloc (09022015). Collection method: clinical testing. Allele origin: germline.